The following is an entry in ClinVar:

NM_004208.4(AIFM1):c.619C>T (p.Pro207Ser)

Genes: AIFM1 (apoptosis inducing factor mitochondria associated 1; minus strand), RAB33A (RAB33A, member RAS oncogene family; plus strand). Cytogenetic location: Xq26.1.
Variant type: single nucleotide variant.
Coding change: c.619C>T on transcript NM_004208.4 (MANE Select); coding-DNA position 619, C replaced by T.
Protein change: p.Pro207Ser; replaces proline 207 with serine.
Molecular consequence: missense variant. On other transcripts: non-coding transcript variant (1).
Genome position (GRCh38, 1-based): chrX:130,145,556, G>A on the plus strand (C>T on the coding strand, the complement: AIFM1 is on the minus strand). VCF-style: chrX-130145556-G-A. GRCh37 (hg19) VCF-style: chrX-129279531-G-A.
Other names: c.619C>T, p.Pro207Ser (NM_001130847.4); c.607C>T, p.Pro203Ser (NM_145812.3); short protein forms P203S, P207S.
Identifiers: ClinVar variation 4082969 (VCV004082969.1).

ClinVar aggregate classification (germline): Uncertain significance (1 of 4 stars; one submission).

Submission:

GeneDx
Classification: Uncertain significance. Last evaluated: 2025-03-10. Review status: criteria provided, single submitter. Criteria: GeneDx Variant Classification Process June 2021. Collection method: clinical testing. Allele origin: germline. Affected: yes.
Comment: Not observed at significant frequency in large population cohorts (gnomAD); In silico analysis supports that this missense variant has a deleterious effect on protein structure/function; In silico analysis suggests this variant may impact gene splicing. In the absence of RNA/functional studies, the actual effect of this sequence change is unknown.; Has not been previously published as pathogenic or benign to our knowledge